The following is an entry in ClinVar:

ClinVar aggregate classification (germline): Uncertain significance. Review status: criteria provided, multiple submitters, no conflicts (2 of 4 stars). 2 submissions from 2 submitters: Uncertain significance (2). Last evaluated 2024-06-12.

Conditions:
Inborn genetic diseases. Identifiers: MedGen C0950123, MeSH D030342.

Allele frequency attached by ClinVar (database versions not stated): gnomAD exomes below 0.00001.
gnomAD v4.1: 1 of 1,589,414 alleles (0.000063%); highest among the groups gnomAD compares: Non-Finnish European, 0.000086%; no homozygotes.

Submissions (2):

Labcorp Genetics (formerly Invitae), Labcorp
Classification: Uncertain significance. Last evaluated: 2024-06-12. Review status: criteria provided, single submitter. Criteria: Invitae Variant Classification Sherloc (09022015). Collection method: clinical testing. Allele origin: germline.
Comment: This sequence change replaces valine, which is neutral and non-polar, with methionine, which is neutral and non-polar, at codon 2801 of the DCHS1 protein (p.Val2801Met). This variant is not present in population databases (gnomAD no frequency). This variant has not been reported in the literature in individuals affected with DCHS1-related conditions. ClinVar contains an entry for this variant (Variation ID: 2255812). Advanced modeling of protein sequence and biophysical properties (such as structural, functional, and spatial information, amino acid conservation, physicochemical variation, residue mobility, and thermodynamic stability) has been performed at Invitae for this missense variant, however the output from this modeling did not meet the statistical confidence thresholds required to predict the impact of this variant on DCHS1 protein function. In summary, the available evidence is currently insufficient to determine the role of this variant in disease. Therefore, it has been classified as a Variant of Uncertain Significance.

Ambry Genetics
Classification: Uncertain significance for Inborn genetic diseases. Last evaluated: 2021-10-19. Review status: criteria provided, single submitter. Criteria: Ambry Variant Classification Scheme 2023. Collection method: clinical testing. Allele origin: germline.

NM_003737.4(DCHS1):c.8401G>A (p.Val2801Met)

Gene: DCHS1 (dachsous cadherin-related 1; minus strand). Cytogenetic location: 11p15.4.
Variant type: single nucleotide variant.
Coding change: c.8401G>A on transcript NM_003737.4 (MANE Select); coding-DNA position 8401, G replaced by A.
Protein change: p.Val2801Met; replaces valine 2801 with methionine.
Molecular consequence: missense variant.
Genome position (GRCh38, 1-based): chr11:6,623,275, C>T on the plus strand (G>A on the coding strand, the complement: DCHS1 is on the minus strand). VCF-style: chr11-6623275-C-T. GRCh37 (hg19) VCF-style: chr11-6644506-C-T.
Other names: short protein forms V2801M.
Identifiers: ClinVar variation 2255812 (VCV002255812.5), dbSNP rs1366658900, ClinGen allele CA379481105.